The following is an entry in ClinVar:

ClinVar aggregate classification (germline): Pathogenic (1 of 4 stars; one submission).

Conditions:
Multiple gastrointestinal atresias. Also called: FAMILIAL INTESTINAL POLYATRESIA SYNDROME; Multiple intestinal atresia. Identifiers: Orphanet 2300, MedGen C0220744, MONDO:0009465.

Submission:

Labcorp Genetics (formerly Invitae), Labcorp
Classification: Pathogenic for Multiple gastrointestinal atresias. Last evaluated: 2023-04-13. Review status: criteria provided, single submitter. Criteria: Invitae Variant Classification Sherloc (09022015). Collection method: clinical testing. Allele origin: germline.
Comment: This sequence change creates a premature translational stop signal (p.Lys758*) in the TTC7A gene. It is expected to result in an absent or disrupted protein product. Loss-of-function variants in TTC7A are known to be pathogenic (PMID: 23830146, 24292712). This variant is not present in population databases (gnomAD no frequency). This variant has not been reported in the literature in individuals affected with TTC7A-related conditions. ClinVar contains an entry for this variant (Variation ID: 2034849). For these reasons, this variant has been classified as Pathogenic.

Literature cited by the submitters: PubMed 23830146; PubMed 24292712.

NM_020458.4(TTC7A):c.2272A>T (p.Lys758Ter)

Gene: TTC7A (tetratricopeptide repeat domain 7A; plus strand). Cytogenetic location: 2p21.
Variant type: single nucleotide variant.
Coding change: c.2272A>T on transcript NM_020458.4 (MANE Select); coding-DNA position 2272, A replaced by T.
Protein change: p.Lys758Ter; replaces lysine 758 with a stop codon.
Molecular consequence: nonsense.
Genome position (GRCh38, 1-based): chr2:47,060,888, A>T. VCF-style: chr2-47060888-A-T. GRCh37 (hg19) VCF-style: chr2-47288027-A-T.
Other names: c.2344A>T, p.Lys782Ter (NM_001288951.2); c.2170A>T, p.Lys724Ter (NM_001288953.2); c.1210A>T, p.Lys404Ter (NM_001288955.2); short protein forms K404*, K758*, K724*, K782*.
Identifiers: ClinVar variation 2034849 (VCV002034849.4), dbSNP rs2465432583, ClinGen allele CA346714924.